The following is an entry in ClinVar:

NM_014339.7(IL17RA):c.1427G>A (p.Gly476Glu)

Gene: IL17RA (interleukin 17 receptor A; plus strand). Cytogenetic location: 22q11.1.
Variant type: single nucleotide variant.
Coding change: c.1427G>A on transcript NM_014339.7 (MANE Select); coding-DNA position 1427, G replaced by A.
Protein change: p.Gly476Glu; replaces glycine 476 with glutamic acid.
Molecular consequence: missense variant.
Genome position (GRCh38, 1-based): chr22:17,108,646, G>A. VCF-style: chr22-17108646-G-A. GRCh37 (hg19) VCF-style: chr22-17589536-G-A.
Other names: c.1325G>A, p.Gly442Glu (NM_001289905.2); short protein forms G442E, G476E.
Identifiers: ClinVar variation 854019 (VCV000854019.9), dbSNP rs1198329596, ClinGen allele CA410216933.
Genomic context (GRCh38, chr22:17,108,646, plus strand): 5'-AGGCGCTCCTGGGCCGGGGGGCGCCTGTGCGGCTGCGCTGCGACCACGGAAAGCCCGTGG[G>A]GGACCTGTTCACTGCAGCCATGAACATGATCCTCCCGGACTTCAAGAGGCCAGCCTGCTT-3'
Protein context (NP_055154.3, residues 466-486): RLRCDHGKPV[Gly476Glu]DLFTAAMNMI

ClinVar aggregate classification (germline): Uncertain significance (1 of 4 stars; one submission).

Conditions:
Immunodeficiency 51 (IMD51). Also called: CANDIDIASIS, FAMILIAL, 5. Identifiers: Orphanet 1334, MedGen C4310803, MONDO:0013500, OMIM 613953.

Allele frequency attached by ClinVar (database versions not stated): gnomAD exomes below 0.00001; TOPMed below 0.00001.
gnomAD v4.1: 2 of 1,606,528 alleles (0.00012%); highest among the groups gnomAD compares: Non-Finnish European, 0.000085%; no homozygotes.

Submission:

Labcorp Genetics (formerly Invitae), Labcorp
Classification: Uncertain significance for Immunodeficiency 51. Last evaluated: 2023-12-27. Review status: criteria provided, single submitter. Criteria: Invitae Variant Classification Sherloc (09022015). Collection method: clinical testing. Allele origin: germline.
Comment: This sequence change replaces glycine, which is neutral and non-polar, with glutamic acid, which is acidic and polar, at codon 476 of the IL17RA protein (p.Gly476Glu). This variant is present in population databases (no rsID available, gnomAD 0.0009%). This variant has not been reported in the literature in individuals affected with IL17RA-related conditions. ClinVar contains an entry for this variant (Variation ID: 854019). Advanced modeling of protein sequence and biophysical properties (such as structural, functional, and spatial information, amino acid conservation, physicochemical variation, residue mobility, and thermodynamic stability) performed at Invitae indicates that this missense variant is expected to disrupt IL17RA protein function with a positive predictive value of 80%. In summary, the available evidence is currently insufficient to determine the role of this variant in disease. Therefore, it has been classified as a Variant of Uncertain Significance.